The following is an entry in ClinVar:

ClinVar aggregate classification (germline): Uncertain significance. Review status: criteria provided, single submitter (1 of 4 stars). 2 submissions from 2 submitters: Uncertain significance (1). 1 of the submissions does not count toward it. Last evaluated 2024-11-24.

Conditions:
Inborn genetic diseases. Identifiers: MedGen C0950123, MeSH D030342.
LAMA5-related disorder. Also called: LAMA5-related condition; LAMA5-Related Disorders.

gnomAD v4.1: 42 of 1,554,928 alleles (0.0027%); highest among the groups gnomAD compares: East Asian, 0.012%; no homozygotes.

Submissions (2):

Ambry Genetics
Classification: Uncertain significance for Inborn genetic diseases. Last evaluated: 2024-11-24. Review status: criteria provided, single submitter. Criteria: Ambry Variant Classification Scheme 2023. Collection method: clinical testing. Allele origin: germline.

PreventionGenetics, part of Exact Sciences
Classification: Uncertain significance for LAMA5-related condition. Last evaluated: 2024-04-03. Review status: no assertion criteria provided. Collection method: clinical testing. Allele origin: germline. Not counted in ClinVar's aggregate classification.
Comment: The LAMA5 c.8791C>T variant is predicted to result in the amino acid substitution p.Arg2931Cys. To our knowledge, this variant has not been reported in the literature. This variant is reported in 0.0025% of alleles in individuals of European (Non-Finnish) descent in gnomAD. At this time, the clinical significance of this variant is uncertain due to the absence of conclusive functional and genetic evidence.

NM_005560.6(LAMA5):c.8791C>T (p.Arg2931Cys)

Gene: LAMA5 (laminin subunit alpha 5; minus strand). Cytogenetic location: 20q13.33.
Variant type: single nucleotide variant.
Coding change: c.8791C>T on transcript NM_005560.6 (MANE Select); coding-DNA position 8791, C replaced by T.
Protein change: p.Arg2931Cys; replaces arginine 2931 with cysteine.
Molecular consequence: missense variant.
Genome position (GRCh38, 1-based): chr20:62,313,328, G>A on the plus strand (C>T on the coding strand, the complement: LAMA5 is on the minus strand). VCF-style: chr20-62313328-G-A. GRCh37 (hg19) VCF-style: chr20-60888384-G-A.
Other names: c.8791C>T (NM_005560.3); short protein forms R2931C.
Identifiers: ClinVar variation 3358275 (VCV003358275.2).